The following is an entry in ClinVar:

ClinVar aggregate classification (germline): Uncertain significance (1 of 4 stars; one submission).

Submission:

Labcorp Genetics (formerly Invitae), Labcorp
Classification: Uncertain significance. Last evaluated: 2025-10-13. Review status: criteria provided, single submitter. Criteria: Invitae Variant Classification Sherloc (09022015). Collection method: clinical testing. Allele origin: germline.
Comment: This sequence change replaces glutamic acid, which is acidic and polar, with lysine, which is basic and polar, at codon 1058 of the MN1 protein (p.Glu1058Lys). This variant is not present in population databases (gnomAD no frequency). This variant has not been reported in the literature in individuals affected with MN1-related conditions. An algorithm developed to predict the effect of missense changes on protein structure and function (PolyPhen-2) suggests that this variant is likely to be disruptive. In summary, the available evidence is currently insufficient to determine the role of this variant in disease. Therefore, it has been classified as a Variant of Uncertain Significance.

NM_002430.3(MN1):c.3172G>A (p.Glu1058Lys)

Gene: MN1 (MN1 proto-oncogene, transcriptional regulator; minus strand). Cytogenetic location: 22q12.1.
Variant type: single nucleotide variant.
Coding change: c.3172G>A on transcript NM_002430.3 (MANE Select); coding-DNA position 3172, G replaced by A.
Protein change: p.Glu1058Lys; replaces glutamic acid 1058 with lysine.
Molecular consequence: missense variant.
Genome position (GRCh38, 1-based): chr22:27,797,372, C>T on the plus strand (G>A on the coding strand, the complement: MN1 is on the minus strand). VCF-style: chr22-27797372-C-T. GRCh37 (hg19) VCF-style: chr22-28193360-C-T.
Other names: short protein forms E1058K.
Identifiers: ClinVar variation 4728693 (VCV004728693.1).